The following is an entry in ClinVar:

ClinVar aggregate classification (germline): Uncertain significance (1 of 4 stars; one submission).

Conditions:
Retinitis pigmentosa 73 (RP73). Identifiers: Orphanet 791, MedGen C4225287, MONDO:0014687, OMIM 616544.
Mucopolysaccharidosis, MPS-III-C (MPS3C). Also called: SANFILIPPO SYNDROME C; MPS III C; MUCOPOLYSACCHARIDOSIS, TYPE IIIC; Mucopolysaccharidosis type IIIC (Sanfilippo C); mucopolysaccharidosis type 3C; MPS IIIC (Sanfilippo Syndrome Type C). Identifiers: Orphanet 581, Orphanet 79271, MedGen C0086649, MONDO:0009657, OMIM 252930.

Allele frequency attached by ClinVar (database versions not stated): gnomAD 0.00002; TOPMed 0.00002; ESP Exome Variant Server 0.00015; ExAC 0.00004.
gnomAD v4.1: 17 of 1,604,594 alleles (0.0011%); highest among the groups gnomAD compares: Middle Eastern, 0.016%; no homozygotes.

Submission:

Labcorp Genetics (formerly Invitae), Labcorp
Classification: Uncertain significance for Retinitis pigmentosa 73; Mucopolysaccharidosis, MPS-III-C. Last evaluated: 2022-06-22. Review status: criteria provided, single submitter. Criteria: Invitae Variant Classification Sherloc (09022015). Collection method: clinical testing. Allele origin: germline.
Comment: This sequence change replaces glycine, which is neutral and non-polar, with serine, which is neutral and polar, at codon 585 of the HGSNAT protein (p.Gly585Ser). The frequency data for this variant in the population databases is considered unreliable, as metrics indicate poor data quality at this position in the gnomAD database. This variant has not been reported in the literature in individuals affected with HGSNAT-related conditions. Advanced modeling of protein sequence and biophysical properties (such as structural, functional, and spatial information, amino acid conservation, physicochemical variation, residue mobility, and thermodynamic stability) performed at Invitae indicates that this missense variant is expected to disrupt HGSNAT protein function. Algorithms developed to predict the effect of sequence changes on RNA splicing suggest that this variant may create or strengthen a splice site. In summary, the available evidence is currently insufficient to determine the role of this variant in disease. Therefore, it has been classified as a Variant of Uncertain Significance.

NM_152419.3(HGSNAT):c.1753G>A (p.Gly585Ser)

Gene: HGSNAT (heparan-alpha-glucosaminide N-acetyltransferase; plus strand). Cytogenetic location: 8p11.21.
Variant type: single nucleotide variant.
Coding change: c.1753G>A on transcript NM_152419.3 (MANE Select); coding-DNA position 1753, G replaced by A.
Protein change: p.Gly585Ser; replaces glycine 585 with serine.
Molecular consequence: missense variant.
Genome position (GRCh38, 1-based): chr8:43,199,414, G>A. VCF-style: chr8-43199414-G-A. GRCh37 (hg19) VCF-style: chr8-43054557-G-A.
Other names: c.1840G>A, p.Gly614Ser (NM_001363227.2); c.1561G>A, p.Gly521Ser (NM_001363228.2); c.889G>A, p.Gly297Ser (NM_001363229.2); short protein forms G297S, G614S, G521S, G585S.
Identifiers: ClinVar variation 2190792 (VCV002190792.1), dbSNP rs376476836, ClinGen allele CA4737021.